The following is an entry in ClinVar:

NM_000156.6(GAMT):c.*136C>A

Gene: GAMT (guanidinoacetate N-methyltransferase; minus strand). Cytogenetic location: 19p13.3.
Variant type: single nucleotide variant.
Coding change: c.*136C>A on transcript NM_000156.6 (MANE Select); 136 bases downstream of the stop codon, C replaced by A.
Molecular consequence: 3 prime UTR variant.
Genome position (GRCh38, 1-based): chr19:1,397,223, G>T on the plus strand (C>A on the coding strand, the complement: GAMT is on the minus strand). VCF-style: chr19-1397223-G-T. GRCh37 (hg19) VCF-style: chr19-1397222-G-T.
Identifiers: ClinVar variation 889367 (VCV000889367.4), dbSNP rs566649324, ClinGen allele CA304061750.
Genomic context (GRCh38, chr19:1,397,223, plus strand): 5'-TCACAGAGAAGCTGGGAAAGCTGCTGGTGACACACAGCTGGGATCAGCCCTGGGCTGGTG[G>T]GACCCCTCACAGAGAAGCCGGGAAAGCTTCTGGTGACACACAGCTGGGATCAGCCCAGGG-3'

ClinVar aggregate classification (germline): Likely benign (1 of 4 stars; one submission).

Conditions:
Deficiency of guanidinoacetate methyltransferase (CCDS2). Also called: GAMT DEFICIENCY; CEREBRAL CREATINE DEFICIENCY SYNDROME 2; Guanidinoacetate Methyltransferase (GAMT) Deficiency. Identifiers: Orphanet 382, MedGen C0574080, MONDO:0012999, OMIM 612736.

Allele frequency attached by ClinVar (database versions not stated): gnomAD 0.00005 and 0.00001; TOPMed 0.00007; 1000 Genomes Project 30x 0.00094; 1000 Genomes Project 0.00060.
gnomAD v4.1: 74 of 1,057,930 alleles (0.007%); highest among the groups gnomAD compares: East Asian, 0.19%; no homozygotes.

Submission:

Illumina Laboratory Services, Illumina
Classification: Likely benign for Deficiency of guanidinoacetate methyltransferase. Last evaluated: 2018-01-13. Review status: criteria provided, single submitter. Criteria: ICSL Variant Classification Criteria 13 December 2019. Collection method: clinical testing. Allele origin: germline.
Comment: This variant was observed in the ICSL laboratory as part of a predisposition screen in an ostensibly healthy population. It had not been previously curated by ICSL or reported in the Human Gene Mutation Database (HGMD: prior to June 1st, 2018), and was therefore a candidate for classification through an automated scoring system. Utilizing variant allele frequency, disease prevalence and penetrance estimates, and inheritance mode, an automated score was calculated to assess if this variant is too frequent to cause the disease. Based on the score and internal cut-off values, a variant classified as likely benign is not then subjected to further curation. The score for this variant resulted in a classification of likely benign for this disease.